The following is an entry in ClinVar:

NM_002618.4(PEX13):c.893T>C (p.Met298Thr)

Gene: PEX13 (peroxisomal biogenesis factor 13; plus strand). Cytogenetic location: 2p15.
Variant type: single nucleotide variant.
Coding change: c.893T>C on transcript NM_002618.4 (MANE Select); coding-DNA position 893, T replaced by C.
Protein change: p.Met298Thr; replaces methionine 298 with threonine.
Molecular consequence: missense variant.
Genome position (GRCh38, 1-based): chr2:61,045,831, T>C. VCF-style: chr2-61045831-T-C. GRCh37 (hg19) VCF-style: chr2-61272966-T-C.
Other names: p.Met298Thr; short protein forms M298T.
Identifiers: ClinVar variation 196352 (VCV000196352.25), dbSNP rs138545154, ClinGen allele CA243275.
Genomic context (GRCh38, chr2:61,045,831, plus strand): 5'-GAGCAGAATATGATTTTGCTGCCGTATCTGAAGAAGAAATTTCTTTCCGGGCTGGTGATA[T>C]GCTGAACTTAGCTCTCAAAGGTAATAAATTATGAATAAGTTGGAATTATCTGTAAATTTT-3'
Protein context (NP_002609.1, residues 288-308): EEEISFRAGD[Met298Thr]LNLALKEQQP

ClinVar aggregate classification (germline): Conflicting classifications of pathogenicity. Review status: criteria provided, conflicting classifications (1 of 4 stars). 7 submissions from 7 submitters: Uncertain significance (2); Likely benign (4). 1 of the submissions does not count toward it. Last evaluated 2026-01-28.

Conditions:
PEX13-related disorder. Also called: PEX13-related disorders; PEX13-related condition.
Peroxisome biogenesis disorder 11A (Zellweger). Also called: Peroxisome biogenesis disorder 11A. Identifiers: Orphanet 912, MedGen C3554000, MONDO:0013949, OMIM 614883.
Peroxisome biogenesis disorder 11B (PBD11B). Identifiers: Orphanet 44, MedGen C3554001, MONDO:0013950, OMIM 614885.

Allele frequency attached by ClinVar (database versions not stated): ExAC 0.00056; ESP Exome Variant Server 0.00069; gnomAD exomes 0.00071; TOPMed 0.00088; gnomAD 0.00104 and 0.00110.
gnomAD v4.1: 720 of 1,613,068 alleles (0.045%); highest among the groups gnomAD compares: Middle Eastern, 0.69%; no homozygotes.

Submissions (7):

Labcorp Genetics (formerly Invitae), Labcorp
Classification: Likely benign for Peroxisome biogenesis disorder 11A (Zellweger). Last evaluated: 2026-01-28. Review status: criteria provided, single submitter. Criteria: Invitae Variant Classification Sherloc (09022015). Collection method: clinical testing. Allele origin: germline.

Mayo Clinic Laboratories, Mayo Clinic
Classification: Likely benign. Last evaluated: 2025-02-14. Review status: criteria provided, single submitter. Criteria: ACMG Guidelines, 2015. Collection method: clinical testing. Allele origin: germline. Observed: 1 variant allele.
Comment: BS1, BP4

Blueprint Genetics
Classification: Likely benign. Last evaluated: 2024-11-22. Review status: criteria provided, single submitter. Criteria: ACMG Guidelines, 2015. Collection method: clinical testing. Allele origin: germline.

Elsea Laboratory, Baylor College of Medicine
Classification: Uncertain significance for Peroxisome biogenesis disorder 11A (Zellweger); Peroxisome biogenesis disorder 11B. Last evaluated: 2020-04-01. Review status: criteria provided, single submitter. Criteria: ACMG Guidelines, 2015. Collection method: clinical testing. Allele origin: germline. Affected: no.

Illumina Laboratory Services, Illumina
Classification: Uncertain significance for Peroxisome biogenesis disorder 11A (Zellweger). Last evaluated: 2017-04-27. Review status: criteria provided, single submitter. Criteria: ICSL Variant Classification Criteria 13 December 2019. Collection method: clinical testing. Allele origin: germline.

Eurofins Ntd Llc (ga)
Classification: Likely benign. Last evaluated: 2017-03-24. Review status: criteria provided, single submitter. Criteria: EGL Classification Definitions 2015. Collection method: clinical testing. Allele origin: germline. Observed: 2 variant alleles, 2 heterozygotes.

PreventionGenetics, part of Exact Sciences
Classification: Likely benign for PEX13-related condition. Last evaluated: 2020-02-19. Review status: no assertion criteria provided. Collection method: clinical testing. Allele origin: germline. Not counted in ClinVar's aggregate classification.
Comment: This variant is classified as likely benign based on ACMG/AMP sequence variant interpretation guidelines (Richards et al. 2015 PMID: 25741868, with internal and published modifications).